The following is an entry in ClinVar:

NM_006767.4(LZTR1):c.1581C>G (p.Phe527Leu)

Gene: LZTR1 (leucine zipper like post translational regulator 1; plus strand). Cytogenetic location: 22q11.21.
Variant type: single nucleotide variant.
Coding change: c.1581C>G on transcript NM_006767.4 (MANE Select); coding-DNA position 1581, C replaced by G.
Protein change: p.Phe527Leu; replaces phenylalanine 527 with leucine.
Molecular consequence: missense variant.
Genome position (GRCh38, 1-based): chr22:20,994,235, C>G. VCF-style: chr22-20994235-C-G. GRCh37 (hg19) VCF-style: chr22-21348524-C-G.
Other names: short protein forms F527L.
Identifiers: ClinVar variation 1319828 (VCV001319828.8), dbSNP rs2147967432, ClinGen allele CA410776107.

ClinVar aggregate classification (germline): Uncertain significance. Review status: criteria provided, multiple submitters, no conflicts (2 of 4 stars). 3 submissions from 3 submitters: Uncertain significance (3). Last evaluated 2023-11-29.

Conditions:
Hereditary cancer-predisposing syndrome. Also called: Hereditary neoplastic syndrome; Neoplastic Syndromes, Hereditary; Tumor predisposition; Hereditary Cancer Syndrome. Identifiers: Orphanet 140162, MedGen C0027672, MeSH D009386, MONDO:0015356.
Cardiovascular phenotype. Identifiers: MedGen CN230736.

Submissions (3):

Labcorp Genetics (formerly Invitae), Labcorp
Classification: Uncertain significance. Last evaluated: 2023-11-29. Review status: criteria provided, single submitter. Criteria: Invitae Variant Classification Sherloc (09022015). Collection method: clinical testing. Allele origin: germline.
Comment: This sequence change replaces phenylalanine, which is neutral and non-polar, with leucine, which is neutral and non-polar, at codon 527 of the LZTR1 protein (p.Phe527Leu). This variant is not present in population databases (gnomAD no frequency). This variant has not been reported in the literature in individuals affected with LZTR1-related conditions. ClinVar contains an entry for this variant (Variation ID: 1319828). Advanced modeling of protein sequence and biophysical properties (such as structural, functional, and spatial information, amino acid conservation, physicochemical variation, residue mobility, and thermodynamic stability) performed at Invitae indicates that this missense variant is not expected to disrupt LZTR1 protein function with a negative predictive value of 80%. In summary, the available evidence is currently insufficient to determine the role of this variant in disease. Therefore, it has been classified as a Variant of Uncertain Significance.

Ambry Genetics
Classification: Uncertain significance for Cardiovascular phenotype; Hereditary cancer-predisposing syndrome. Last evaluated: 2022-03-29. Review status: criteria provided, single submitter. Criteria: Ambry Variant Classification Scheme 2023. Collection method: clinical testing. Allele origin: germline.
Comment: The p.F527L variant (also known as c.1581C>G), located in coding exon 14 of the LZTR1 gene, results from a C to G substitution at nucleotide position 1581. The phenylalanine at codon 527 is replaced by leucine, an amino acid with highly similar properties. This amino acid position is conserved. In addition, the in silico prediction for this alteration is inconclusive. Since supporting evidence is limited at this time, the clinical significance of this alteration remains unclear.

Institute for Clinical Genetics, University Hospital TU Dresden, University Hospital TU Dresden
Classification: Uncertain significance. Last evaluated: 2021-11-03. Review status: criteria provided, single submitter. Criteria: ACMG Guidelines, 2015. Collection method: clinical testing. Allele origin: germline.